The following is an entry in ClinVar:

NM_001371333.1(DIABLO):c.546C>T (p.Thr182=)

Genes: B3GNT4 (UDP-GlcNAc:betaGal beta-1,3-N-acetylglucosaminyltransferase 4; plus strand), DIABLO (diablo IAP-binding mitochondrial protein; minus strand). Cytogenetic location: 12q24.31.
Variant type: single nucleotide variant.
Coding change: c.546C>T on transcript NM_001371333.1 (MANE Select); coding-DNA position 546, C replaced by T.
Protein change: p.Thr182=; no amino-acid change (threonine 182 retained).
Molecular consequence: synonymous variant. On other transcripts: 3 prime UTR variant (2).
Genome position (GRCh38, 1-based): chr12:122,208,555, G>A on the plus strand (C>T on the coding strand, the complement: DIABLO is on the minus strand). VCF-style: chr12-122208555-G-A. GRCh37 (hg19) VCF-style: chr12-122693102-G-A.
Other names: c.255C>T, p.Thr85= (NM_001278302.1); c.327C>T, p.Thr109= (NM_001278303.1); c.387C>T, p.Thr129= (NM_001278304.2, NM_138930.3); c.414C>T, p.Thr138= (NM_001278342.1); c.546C>T, p.Thr182= (NM_019887.6); c.*1167G>A (NM_001330492.2, NM_030765.4).
Identifiers: ClinVar variation 514370 (VCV000514370.17), dbSNP rs149387774, ClinGen allele CA6843794.

ClinVar aggregate classification (germline): Benign/Likely benign. Review status: criteria provided, multiple submitters, no conflicts (2 of 4 stars). 4 submissions from 4 submitters: Benign (1); Likely benign (3). Last evaluated 2025-10-29.

Allele frequency attached by ClinVar (database versions not stated): 1000 Genomes Project 30x 0.00047; 1000 Genomes Project 0.00060; gnomAD 0.00073 and 0.00077; TOPMed 0.00077; ExAC 0.00084; ESP Exome Variant Server 0.00092.
gnomAD v4.1: 1,527 of 1,613,534 alleles (0.095%); highest among the groups gnomAD compares: Non-Finnish European, 0.11%; 3 homozygotes.

Submissions (4):

Labcorp Genetics (formerly Invitae), Labcorp
Classification: Benign. Last evaluated: 2025-10-29. Review status: criteria provided, single submitter. Criteria: Invitae Variant Classification Sherloc (09022015). Collection method: clinical testing. Allele origin: germline.

Blueprint Genetics
Classification: Likely benign. Last evaluated: 2024-11-25. Review status: criteria provided, single submitter. Criteria: ACMG Guidelines, 2015. Collection method: clinical testing. Allele origin: germline.

GeneDx
Classification: Likely benign. Last evaluated: 2021-04-13. Review status: criteria provided, single submitter. Criteria: GeneDx Variant Classification Process June 2021. Collection method: clinical testing. Allele origin: germline. Affected: yes.

Laboratory for Molecular Medicine, Mass General Brigham Personalized Medicine
Classification: Likely benign. Last evaluated: 2017-08-23. Review status: criteria provided, single submitter. Criteria: LMM Criteria. Collection method: clinical testing. Allele origin: germline. Observed: 1 variant allele.
Comment: p.Thr182Thr in exon 7 of DIABLO: This variant is not expected to have clinical significance because it does not alter an amino acid residue and is not located within the splice consensus sequence. It has been identified in 0.14% (93/66252) of European chromosomes by the Exome Aggregation Consortium (ExAC; dbSNP rs149387774).